The following is an entry in ClinVar:

NM_004281.4(BAG3):c.592A>T (p.Ser198Cys)

Gene: BAG3 (BAG cochaperone 3; plus strand). Cytogenetic location: 10q26.11.
Variant type: single nucleotide variant.
Coding change: c.592A>T on transcript NM_004281.4 (MANE Select); coding-DNA position 592, A replaced by T.
Protein change: p.Ser198Cys; replaces serine 198 with cysteine.
Molecular consequence: missense variant.
Genome position (GRCh38, 1-based): chr10:119,672,339, A>T. VCF-style: chr10-119672339-A-T. GRCh37 (hg19) VCF-style: chr10-121431851-A-T.
Other names: short protein forms S198C.
Identifiers: ClinVar variation 2946431 (VCV002946431.3), dbSNP rs2494013648, ClinGen allele CA378295398.

ClinVar aggregate classification (germline): Uncertain significance (1 of 4 stars; one submission).

Conditions:
Dilated cardiomyopathy 1HH (CMD1HH). Identifiers: Orphanet 154, MedGen C3151293, MONDO:0013479, OMIM 613881.
Myofibrillar myopathy 6. Identifiers: Orphanet 199340, MedGen C2751831, MONDO:0013061, OMIM 612954.

Submission:

Labcorp Genetics (formerly Invitae), Labcorp
Classification: Uncertain significance for Dilated cardiomyopathy 1HH; Myofibrillar myopathy 6. Last evaluated: 2023-04-09. Review status: criteria provided, single submitter. Criteria: Invitae Variant Classification Sherloc (09022015). Collection method: clinical testing. Allele origin: germline.
Comment: In summary, the available evidence is currently insufficient to determine the role of this variant in disease. Therefore, it has been classified as a Variant of Uncertain Significance. Advanced modeling of protein sequence and biophysical properties (such as structural, functional, and spatial information, amino acid conservation, physicochemical variation, residue mobility, and thermodynamic stability) performed at Invitae indicates that this missense variant is not expected to disrupt BAG3 protein function. This variant has not been reported in the literature in individuals affected with BAG3-related conditions. This variant is not present in population databases (gnomAD no frequency). This sequence change replaces serine, which is neutral and polar, with cysteine, which is neutral and slightly polar, at codon 198 of the BAG3 protein (p.Ser198Cys).